The following is an entry in ClinVar:

ClinVar aggregate classification (germline): Uncertain significance (1 of 4 stars; one submission).

Conditions:
Immunodeficiency 132A. Also called: Herpes simplex encephalitis, susceptibility to, 3. Identifiers: Orphanet 1930, MedGen C3553868, MONDO:0013920, OMIM 614849.

Allele frequency attached by ClinVar (database versions not stated): TOPMed below 0.00001; ExAC 0.00001; gnomAD 0.00001; gnomAD exomes 0.00006.
gnomAD v4.1: 85 of 1,614,094 alleles (0.0053%); highest among the groups gnomAD compares: Non-Finnish European, 0.0071%; no homozygotes.

Submission:

Labcorp Genetics (formerly Invitae), Labcorp
Classification: Uncertain significance for Immunodeficiency 132A. Last evaluated: 2024-12-11. Review status: criteria provided, single submitter. Criteria: Invitae Variant Classification Sherloc (09022015). Collection method: clinical testing. Allele origin: germline.
Comment: This sequence change replaces serine, which is neutral and polar, with glycine, which is neutral and non-polar, at codon 85 of the TRAF3 protein (p.Ser85Gly). This variant is present in population databases (rs777901124, gnomAD 0.002%). This variant has not been reported in the literature in individuals affected with TRAF3-related conditions. ClinVar contains an entry for this variant (Variation ID: 2911322). An algorithm developed to predict the effect of missense changes on protein structure and function (PolyPhen-2) suggests that this variant is likely to be tolerated. In summary, the available evidence is currently insufficient to determine the role of this variant in disease. Therefore, it has been classified as a Variant of Uncertain Significance.

NM_145725.3(TRAF3):c.253A>G (p.Ser85Gly)

Gene: TRAF3 (TNF receptor associated factor 3; plus strand). Cytogenetic location: 14q32.32.
Variant type: single nucleotide variant.
Coding change: c.253A>G on transcript NM_145725.3 (MANE Select); coding-DNA position 253, A replaced by G.
Protein change: p.Ser85Gly; replaces serine 85 with glycine.
Molecular consequence: missense variant.
Genome position (GRCh38, 1-based): chr14:102,871,924, A>G. VCF-style: chr14-102871924-A-G. GRCh37 (hg19) VCF-style: chr14-103338261-A-G.
Other names: c.253A>G, p.Ser85Gly (NM_001199427.2, NM_001385142.1, NM_001385143.1 and 2 more transcripts); short protein forms S85G.
Identifiers: ClinVar variation 2911322 (VCV002911322.3), dbSNP rs777901124, ClinGen allele CA7359206.